The following is an entry in ClinVar:

NM_001199138.2(NLRC4):c.2713del (p.Glu905fs)

Gene: NLRC4 (NLR family CARD domain containing 4; minus strand). Cytogenetic location: 2p22.3.
Variant type: Deletion.
Coding change: c.2713del on transcript NM_001199138.2 (MANE Select); coding-DNA position 2713, one base deleted (G; older notation c.2713delG).
Protein change: p.Glu905fs; shifts the reading frame from glutamic acid 905.
Molecular consequence: frameshift variant.
Genome position (GRCh38, 1-based): chr2:32,235,470, C deleted on the plus strand (G on the coding strand, the reverse complement: NLRC4 is on the minus strand); the first of 2 consecutive C bases (chr2:32,235,470-32,235,471); deleting either gives the same sequence. VCF-style (leftmost placement, unchanged base first): chr2-32235469-TC-T. GRCh37 (hg19) VCF-style: chr2-32460538-TC-T.
Other names: c.2712delG, p.Glu905Argfs (NM_001199139.2, NM_021209.5); c.717delG, p.Glu240Argfs (NM_001302504.2); short protein forms E240fs, E905fs.
Identifiers: ClinVar variation 1477290 (VCV001477290.9), dbSNP rs2148933689, ClinGen allele CA2573134657.

ClinVar aggregate classification (germline): Uncertain significance. Review status: criteria provided, multiple submitters, no conflicts (2 of 4 stars). 2 submissions from 2 submitters: Uncertain significance (2). Last evaluated 2024-07-29.

Conditions:
Familial cold autoinflammatory syndrome 4 (FCAS4). Identifiers: Orphanet 47045, Orphanet 576349, MedGen C4015276, MONDO:0014498, OMIM 616115.
Periodic fever-infantile enterocolitis-autoinflammatory syndrome. Also called: Autoinflammation with infantile enterocolitis. Identifiers: Orphanet 436166, MedGen C4015067, MONDO:0014472, OMIM 616050.

Submissions (2):

Blueprint Genetics
Classification: Uncertain significance. Last evaluated: 2024-07-29. Review status: criteria provided, single submitter. Criteria: ACMG Guidelines, 2015. Collection method: clinical testing. Allele origin: germline.

Labcorp Genetics (formerly Invitae), Labcorp
Classification: Uncertain significance for Periodic fever-infantile enterocolitis-autoinflammatory syndrome; Familial cold autoinflammatory syndrome 4. Last evaluated: 2022-10-13. Review status: criteria provided, single submitter. Criteria: Invitae Variant Classification Sherloc (09022015). Collection method: clinical testing. Allele origin: germline.
Comment: In summary, the available evidence is currently insufficient to determine the role of this variant in disease. Therefore, it has been classified as a Variant of Uncertain Significance. Experimental studies and prediction algorithms are not available or were not evaluated, and the functional significance of this variant is currently unknown. ClinVar contains an entry for this variant (Variation ID: 1477290). This variant has not been reported in the literature in individuals affected with NLRC4-related conditions. This variant is not present in population databases (gnomAD no frequency). This sequence change creates a premature translational stop signal (p.Glu905Argfs*10) in the NLRC4 gene. While this is not anticipated to result in nonsense mediated decay, it is expected to disrupt the last 120 amino acid(s) of the NLRC4 protein.